The following is an entry in ClinVar:

NM_001267550.2(TTN):c.72542dup (p.Leu24182fs)

Genes: TTN-AS1 (TTN antisense RNA 1; plus strand), TTN (titin; minus strand). Cytogenetic location: 2q31.2.
Variant type: Duplication.
Coding change: c.72542dup on transcript NM_001267550.2 (MANE Select); coding-DNA position 72542, one base duplicated (A; older notation c.72542dupA).
Protein change: p.Leu24182fs; shifts the reading frame from leucine 24182.
Molecular consequence: frameshift variant.
Genome position (GRCh38, 1-based): chr2:178,573,590, T duplicated on the plus strand (A on the coding strand, the reverse complement: TTN is on the minus strand); the first of 3 consecutive T bases (chr2:178,573,590-178,573,592); duplicating any one gives the same sequence. VCF-style (leftmost placement, unchanged base first): chr2-178573589-C-CT. GRCh37 (hg19) VCF-style: chr2-179438316-C-CT.
Other names: c.67619dup, p.Leu22541fs (NM_001256850.1); c.45347dup, p.Leu15117fs (NM_003319.4); c.64838dup, p.Leu21614fs (NM_133378.4); c.45722dup, p.Leu15242fs (NM_133432.3); c.45923dup, p.Leu15309fs (NM_133437.4); short protein forms L15117fs, L15309fs, L22541fs, L24182fs, L15242fs, L21614fs.
Identifiers: ClinVar variation 966833 (VCV000966833.10), dbSNP rs1709014153, ClinGen allele CA1139657506.
Genomic context (GRCh38, chr2:178,573,589, plus strand): 5'-ATTTACAGCCATGACACGGAATATGTATTCATTGCCTTTCAAGAGTTTAGTGACCTTTAG[C>CT]TTTGTTACTTGGACTTCTGAGGCTACATTTGTCCATGCCAATCTGCTGGTTTCACGTTTC-3'

ClinVar aggregate classification (germline): Likely pathogenic (1 of 4 stars; one submission).

Conditions:
Dilated cardiomyopathy 1G (CMD1G). Identifiers: Orphanet 154, MedGen C1858763, MONDO:0011400, OMIM 604145.
Autosomal recessive limb-girdle muscular dystrophy type 2J (LGMDR10). Also called: Limb-girdle muscular dystrophy, type 2J; MUSCULAR DYSTROPHY, LIMB-GIRDLE, AUTOSOMAL RECESSIVE 10. Identifiers: Orphanet 140922, MedGen C1837342, MONDO:0012127, OMIM 608807.

Submission:

Labcorp Genetics (formerly Invitae), Labcorp
Classification: Likely pathogenic for Dilated cardiomyopathy 1G; Autosomal recessive limb-girdle muscular dystrophy type 2J. Last evaluated: 2020-10-05. Review status: criteria provided, single submitter. Criteria: Invitae Variant Classification Sherloc (09022015). Collection method: clinical testing. Allele origin: germline.
Comment: This sequence change results in a premature translational stop signal in the TTN gene (p.Leu24182Alafs*5). While this is not anticipated to result in nonsense mediated decay, it is expected to create a truncated TTN protein. This variant is not present in population databases (ExAC no frequency). This variant has not been reported in the literature in individuals with TTN-related conditions. This variant is located in the A band of TTN (PMID: 25589632). Truncating variants in this region are significantly overrepresented in patients affected with dilated cardiomyopathy (PMID: 25589632). Truncating variants in this region have also been reported in individuals affected with autosomal recessive centronuclear myopathy (PMID: 23975875). In summary, the currently available evidence indicates that the variant is pathogenic, but additional data are needed to prove that conclusively. Therefore, this variant has been classified as Likely Pathogenic.

Literature cited by the submitters: PubMed 25589632; PubMed 23975875.